The following is an entry in ClinVar:

ClinVar aggregate classification (germline): Pathogenic/Likely pathogenic. Review status: criteria provided, multiple submitters, no conflicts (2 of 4 stars). 2 submissions from 2 submitters: Pathogenic (1); Likely pathogenic (1). Last evaluated 2023-05-12.

Conditions:
Autosomal recessive spinocerebellar ataxia 10. Identifiers: Orphanet 284289, MedGen C3150998, MONDO:0013392, OMIM 613728.

Allele frequency attached by ClinVar (database versions not stated): gnomAD exomes below 0.00001.

Submissions (2):

Athena Diagnostics
Classification: Pathogenic. Last evaluated: 2023-05-12. Review status: criteria provided, single submitter. Criteria: Athena Diagnostics Criteria. Collection method: clinical testing. Allele origin: unknown.
Comment: This variant is expected to result in the loss of a functional protein. This variant has been identified in at least one individual with clinical features associated with this gene. This variant has not been reported in large, multi-ethnic general populations.

3billion
Classification: Likely pathogenic for Autosomal recessive spinocerebellar ataxia 10. Last evaluated: 2022-09-01. Review status: criteria provided, single submitter. Criteria: ACMG Guidelines, 2015. Collection method: clinical testing. Allele origin: germline. Affected: yes. Observed: 1 heterozygote.
Comment: The variant is not observed in the gnomAD v2.1.1 dataset. Frameshift variant is predicted to result in a loss or disruption of normal protein function through nonsense-mediated decay (NMD) or protein truncation. Multiple pathogenic variants are reported downstream of the variant. Therefore, this variant is classified as Likely pathogenic according to the recommendation of ACMG/AMP guideline.

NM_018075.5(ANO10):c.1056dup (p.Glu353Ter)

Gene: ANO10 (anoctamin 10; minus strand). Cytogenetic location: 3p22.1.
Variant type: Duplication.
Coding change: c.1056dup on transcript NM_018075.5 (MANE Select); coding-DNA position 1056, one base duplicated (T; older notation c.1056dupT).
Protein change: p.Glu353Ter; replaces glutamic acid 353 with a stop codon.
Molecular consequence: nonsense. On other transcripts: intron variant (1).
Genome position (GRCh38, 1-based): chr3:43,576,798, A duplicated on the plus strand (T on the coding strand, the reverse complement: ANO10 is on the minus strand). VCF-style (leftmost placement, unchanged base first): chr3-43576797-C-CA. GRCh37 (hg19) VCF-style: chr3-43618289-C-CA.
Other names: c.1056dup, p.Glu353Ter (NM_001346463.2, NM_001346464.2, NM_001346465.2 and 3 more transcripts); c.858dup, p.Glu287Ter (NM_001346466.2, NM_001346469.2, NM_001204832.3); c.593-1934dup (NM_001204834.3); c.723dup, p.Glu242Ter (NM_001204833.3); c.1056dup (NM_018075.3); short protein forms E242*, E287*, E353*.
Identifiers: ClinVar variation 1705343 (VCV001705343.2), dbSNP rs2529367691, ClinGen allele CA2577566002.